The following is an entry in ClinVar:

NM_000051.4(ATM):c.6537T>C (p.Ile2179=)

Genes: ATM (ATM serine/threonine kinase; plus strand), C11orf65 (chromosome 11 open reading frame 65; minus strand). Cytogenetic location: 11q22.3.
Variant type: single nucleotide variant.
Coding change: c.6537T>C on transcript NM_000051.4 (MANE Select); coding-DNA position 6537, T replaced by C.
Protein change: p.Ile2179=; no amino-acid change (isoleucine 2179 retained).
Molecular consequence: synonymous variant. On other transcripts: intron variant (2).
Genome position (GRCh38, 1-based): chr11:108,321,385, T>C. VCF-style: chr11-108321385-T-C. GRCh37 (hg19) VCF-style: chr11-108192112-T-C.
Other names: c.6537T>C, p.Ile2179= (NM_001351834.2); c.641-12314A>G (NM_001330368.2); c.*39-12314A>G (NM_001351110.2).
Identifiers: ClinVar variation 2453986 (VCV002453986.3), dbSNP rs146243469, ClinGen allele CA476676217.

ClinVar aggregate classification (germline): Benign/Likely benign. Review status: criteria provided, multiple submitters, no conflicts (2 of 4 stars). 2 submissions from 2 submitters: Benign (1); Likely benign (1). Last evaluated 2024-06-06.

Conditions:
Familial cancer of breast. Also called: Hereditary breast cancer; BREAST CANCER, FAMILIAL; hereditary breast carcinoma. Identifiers: Orphanet 227535, MedGen C0346153, MONDO:0016419, OMIM 114480. Disease mechanism: loss of function.
Hereditary cancer-predisposing syndrome. Also called: Tumor predisposition; Hereditary Cancer Syndrome; Hereditary neoplastic syndrome; Neoplastic Syndromes, Hereditary. Identifiers: Orphanet 140162, MedGen C0027672, MeSH D009386, MONDO:0015356.

Submissions (2):

Myriad Genetics, Inc.
Classification: Benign for Familial cancer of breast. Last evaluated: 2024-06-06. Review status: criteria provided, single submitter. Criteria: Myriad Autosomal Dominant, Autosomal Recessive and X-Linked Classification Criteria (2023). Collection method: clinical testing. Allele origin: unknown.
Comment: This variant is considered benign. This variant is a silent/synonymous amino acid change and it is not expected to impact splicing.

Ambry Genetics
Classification: Likely benign for Hereditary cancer-predisposing syndrome. Last evaluated: 2023-02-23. Review status: criteria provided, single submitter. Criteria: Ambry Variant Classification Scheme 2023. Collection method: clinical testing. Allele origin: germline.